The following is an entry in ClinVar:

NM_007194.4(CHEK2):c.1572del (p.Glu526fs)

Gene: CHEK2 (checkpoint kinase 2; minus strand). Cytogenetic location: 22q12.1.
Variant type: Deletion.
Coding change: c.1572del on transcript NM_007194.4 (MANE Select); coding-DNA position 1572, one base deleted (A; older notation c.1572delA).
Protein change: p.Glu526fs; shifts the reading frame from glutamic acid 526.
Molecular consequence: frameshift variant.
Genome position (GRCh38, 1-based): chr22:28,687,957, T deleted on the plus strand (A on the coding strand, the reverse complement: CHEK2 is on the minus strand); the first of 2 consecutive T bases (chr22:28,687,957-28,687,958); deleting either gives the same sequence. VCF-style (leftmost placement, unchanged base first): chr22-28687956-CT-C. GRCh37 (hg19) VCF-style: chr22-29083944-CT-C.
Other names: c.1572delA (NM_007194.3); c.1700delA, p.Glu569Lysfs (NM_001005735.3); c.908delA, p.Glu305Lysfs (NM_001257387.3); c.1370delA, p.Glu459Lysfs (NM_001349956.3); c.1484delA, p.Glu497Lysfs (NM_145862.3); short protein forms E569fs, E497fs, E526fs, E305fs, E459fs.
Identifiers: ClinVar variation 864516 (VCV000864516.13), dbSNP rs2052185743, ClinGen allele CA916083788.
Genomic context (GRCh38, chr22:28,687,956, plus strand): 5'-TTCACAACACAGCAGCACACACAGCTGGGCGCTTTGTGGTCTCGGCACCCTCGGCTTCCC[CT>C]TCACGGGGCCGCTTTCGACTAGTAGAAGGCTGAAAATAAAGGAAAATGGAGAAATGTTCA-3'

ClinVar aggregate classification (germline): Uncertain significance. Review status: criteria provided, multiple submitters, no conflicts (2 of 4 stars). 2 submissions from 2 submitters: Uncertain significance (2). Last evaluated 2024-09-09.

Conditions:
Hereditary cancer-predisposing syndrome. Also called: Hereditary Cancer Syndrome; Tumor predisposition; Neoplastic Syndromes, Hereditary; Hereditary neoplastic syndrome. Identifiers: Orphanet 140162, MedGen C0027672, MeSH D009386, MONDO:0015356.
Familial cancer of breast. Also called: Hereditary breast cancer; BREAST CANCER, FAMILIAL; hereditary breast carcinoma. Identifiers: Orphanet 227535, MedGen C0346153, MONDO:0016419, OMIM 114480. Disease mechanism: loss of function.

Submissions (2):

Ambry Genetics
Classification: Uncertain significance for Hereditary cancer-predisposing syndrome. Last evaluated: 2024-09-09. Review status: criteria provided, single submitter. Criteria: Ambry Variant Classification Scheme 2023. Collection method: clinical testing. Allele origin: germline.
Comment: The c.1572delA variant, located in coding exon 14 of the CHEK2 gene, results from a deletion of one nucleotide at nucleotide position 1572, causing a translational frameshift with a predicted alternate stop codon (p.E526Kfs*40). This alteration occurs at the 3' terminus of theCHEK2 gene, is not expected to trigger nonsense-mediated mRNAdecay, and only impacts the last 3.5% of the protein. The exact functional effect of this alteration is unknown. Based on the available evidence, the clinical significance of this variant remains unclear.

Labcorp Genetics (formerly Invitae), Labcorp
Classification: Uncertain significance for Familial cancer of breast. Last evaluated: 2022-01-13. Review status: criteria provided, single submitter. Criteria: Invitae Variant Classification Sherloc (09022015). Collection method: clinical testing. Allele origin: germline.
Comment: This variant is not present in population databases (gnomAD no frequency). ClinVar contains an entry for this variant (Variation ID: 864516). Experimental studies and prediction algorithms are not available or were not evaluated, and the functional significance of this variant is currently unknown. In summary, the available evidence is currently insufficient to determine the role of this variant in disease. Therefore, it has been classified as a Variant of Uncertain Significance. This variant has not been reported in the literature in individuals affected with CHEK2-related conditions. This sequence change results in a frameshift in the CHEK2 gene (p.Glu526Lysfs*40). While this is not anticipated to result in nonsense mediated decay, it is expected to disrupt the last 18 amino acid(s) of the CHEK2 protein and extend the protein by 21 additional amino acid residues.